The following is an entry in ClinVar:

NM_000057.4(BLM):c.714C>G (p.Ile238Met)

Gene: BLM (BLM RecQ like helicase; plus strand). Cytogenetic location: 15q26.1.
Variant type: single nucleotide variant.
Coding change: c.714C>G on transcript NM_000057.4 (MANE Select); coding-DNA position 714, C replaced by G.
Protein change: p.Ile238Met; replaces isoleucine 238 with methionine.
Molecular consequence: missense variant. On other transcripts: 5 prime UTR variant (1).
Genome position (GRCh38, 1-based): chr15:90,749,982, C>G. VCF-style: chr15-90749982-C-G. GRCh37 (hg19) VCF-style: chr15-91293212-C-G.
Other names: c.714C>G, p.Ile238Met (NM_001287246.2, NM_001287247.2); c.-578C>G (NM_001287248.2); short protein forms I238M.
Identifiers: ClinVar variation 1711901 (VCV001711901.3), dbSNP rs1208652152, ClinGen allele CA393841404.

ClinVar aggregate classification (germline): Conflicting classifications of pathogenicity. Review status: criteria provided, conflicting classifications (1 of 4 stars). 2 submissions from 2 submitters: Uncertain significance (1); Likely benign (1). Last evaluated 2024-11-14.

Conditions:
Hereditary cancer-predisposing syndrome. Also called: Neoplastic Syndromes, Hereditary; Tumor predisposition; Hereditary Cancer Syndrome; Hereditary neoplastic syndrome. Identifiers: Orphanet 140162, MedGen C0027672, MeSH D009386, MONDO:0015356.

Submissions (2):

Ambry Genetics
Classification: Likely benign for Hereditary cancer-predisposing syndrome. Last evaluated: 2024-11-14. Review status: criteria provided, single submitter. Criteria: Ambry Variant Classification Scheme 2023. Collection method: clinical testing. Allele origin: germline.

GeneDx
Classification: Uncertain significance. Last evaluated: 2022-04-20. Review status: criteria provided, single submitter. Criteria: GeneDx Variant Classification Process June 2021. Collection method: clinical testing. Allele origin: germline. Affected: yes.
Comment: Not observed at significant frequency in large population cohorts (gnomAD); In silico analysis supports that this missense variant does not alter protein structure/function; Has not been previously published as pathogenic or benign to our knowledge